The following is an entry in ClinVar:

ClinVar aggregate classification (germline): Uncertain significance (1 of 4 stars; one submission).

Conditions:
Neurofibromatosis, type 1 (NF1). Also called: Neurofibromatosis, type I; VON RECKLINGHAUSEN DISEASE; NEUROFIBROMATOSIS, TYPE I, SOMATIC; Peripheral type neurofibromatosis. Identifiers: Orphanet 636, MedGen C0027831, MONDO:0018975, OMIM 162200. Disease mechanism: loss of function.

Submission:

Labcorp Genetics (formerly Invitae), Labcorp
Classification: Uncertain significance for Neurofibromatosis, type 1. Last evaluated: 2023-03-18. Review status: criteria provided, single submitter. Criteria: Invitae Variant Classification Sherloc (09022015). Collection method: clinical testing. Allele origin: germline.
Comment: In summary, the available evidence is currently insufficient to determine the role of this variant in disease. Therefore, it has been classified as a Variant of Uncertain Significance. Algorithms developed to predict the effect of sequence changes on RNA splicing suggest that this variant may disrupt the consensus splice site. This variant has not been reported in the literature in individuals affected with NF1-related conditions. This variant is not present in population databases (gnomAD no frequency). This sequence change falls in intron 26 of the NF1 gene. It does not directly change the encoded amino acid sequence of the NF1 protein.

NM_001042492.3(NF1):c.3497-16T>A

Gene: NF1 (neurofibromin 1; plus strand). Cytogenetic location: 17q11.2.
Variant type: single nucleotide variant.
Coding change: c.3497-16T>A on transcript NM_001042492.3 (MANE Select); 16 bases into the intron before coding-DNA position 3497, T replaced by A.
Molecular consequence: intron variant.
Genome position (GRCh38, 1-based): chr17:31,232,986, T>A. VCF-style: chr17-31232986-T-A. GRCh37 (hg19) VCF-style: chr17-29560004-T-A.
Other names: c.3497-16T>A (NM_000267.4).
Identifiers: ClinVar variation 2846812 (VCV002846812.3), dbSNP rs2151435208, ClinGen allele CA2733601282.